The following is an entry in ClinVar:

ClinVar aggregate classification (germline): Conflicting classifications of pathogenicity. Review status: criteria provided, conflicting classifications (1 of 4 stars). 4 submissions from 4 submitters: Uncertain significance (2); Likely benign (2). Last evaluated 2025-12-03.

Conditions:
Autosomal dominant hypocalcemia 1 (HYPOC1). Also called: HYPOCALCEMIA, FAMILIAL. Identifiers: MedGen C3715128, MONDO:0011013, OMIM 601198.
Familial hypocalciuric hypercalcemia (FHH). Also called: Familial benign hypercalcemia. Identifiers: Orphanet 405, MedGen C1809471, MONDO:0018458.
Neonatal severe primary hyperparathyroidism. Identifiers: Orphanet 417, MedGen C1832615, MONDO:0009397, OMIM 239200.
Epilepsy, idiopathic generalized, susceptibility to, 8. Identifiers: MedGen C2752062, MONDO:0013032, OMIM 612899.
Familial hypocalciuric hypercalcemia 1. Also called: Hypercalcemia, familial benign type 1. Identifiers: Orphanet 405, Orphanet 93372, MedGen C0342637, MONDO:0007791, OMIM 145980.
CASR-related disorder. Also called: CASR-related condition.
Nephrolithiasis/nephrocalcinosis. Identifiers: MedGen CN580796.

Allele frequency attached by ClinVar (database versions not stated): ExAC 0.00002; TOPMed 0.00002; gnomAD 0.00004; 1000 Genomes Project 0.00020; 1000 Genomes Project 30x 0.00031.

Submissions (4):

Labcorp Genetics (formerly Invitae), Labcorp
Classification: Likely benign for Familial hypocalciuric hypercalcemia; Autosomal dominant hypocalcemia 1. Last evaluated: 2025-12-03. Review status: criteria provided, single submitter. Criteria: Invitae Variant Classification Sherloc (09022015). Collection method: clinical testing. Allele origin: germline.

Fulgent Genetics
Classification: Uncertain significance for Familial hypocalciuric hypercalcemia 1; Neonatal severe primary hyperparathyroidism; Autosomal dominant hypocalcemia 1; Epilepsy, idiopathic generalized, susceptibility to, 8. Last evaluated: 2024-01-23. Review status: criteria provided, single submitter. Criteria: ACMG Guidelines, 2015. Collection method: clinical testing. Allele origin: germline.

PreventionGenetics, part of Exact Sciences
Classification: Uncertain significance for CASR-related condition. Last evaluated: 2023-09-07. Review status: criteria provided, single submitter. Criteria: ACMG Guidelines, 2015. Collection method: clinical testing. Allele origin: germline.
Comment: The CASR c.1943G>A variant is predicted to result in the amino acid substitution p.Arg648His. To our knowledge, this variant has not been reported in the literature. This variant is reported in 0.017% of alleles in individuals of Latino descent in gnomAD. At this time, the clinical significance of this variant is uncertain due to the absence of conclusive functional and genetic evidence.

Ambry Genetics
Classification: Likely benign for Nephrolithiasis/nephrocalcinosis. Last evaluated: 2022-02-22. Review status: criteria provided, single submitter. Criteria: Ambry Variant Classification Scheme 2023. Collection method: clinical testing. Allele origin: germline.

Literature cited by the submitters: PubMed 19389809 (cited by Ambry Genetics).

NM_000388.4(CASR):c.1913G>A (p.Arg638His)

Gene: CASR (calcium sensing receptor; plus strand). Cytogenetic location: 3q21.1.
Variant type: single nucleotide variant.
Coding change: c.1913G>A on transcript NM_000388.4 (MANE Select); coding-DNA position 1913, G replaced by A.
Protein change: p.Arg638His; replaces arginine 638 with histidine.
Molecular consequence: missense variant.
Genome position (GRCh38, 1-based): chr3:122,283,867, G>A. VCF-style: chr3-122283867-G-A. GRCh37 (hg19) VCF-style: chr3-122002714-G-A.
Other names: c.1943G>A, p.Arg648His (NM_001178065.2); c.1943G>A (NM_001178065.1); short protein forms R638H, R648H.
Identifiers: ClinVar variation 410330 (VCV000410330.15), dbSNP rs201852643, ClinGen allele CA2569760.